The following is an entry in ClinVar:

ClinVar aggregate classification (germline): Uncertain significance. Review status: criteria provided, multiple submitters, no conflicts (2 of 4 stars). 2 submissions from 2 submitters: Uncertain significance (2). Last evaluated 2023-01-01.

Allele frequency attached by ClinVar (database versions not stated): ExAC 0.00001; gnomAD 0.00001; gnomAD exomes 0.00001 and 0.00002; TOPMed 0.00002.
gnomAD v4.1: 22 of 1,611,098 alleles (0.0014%); highest among the groups gnomAD compares: Non-Finnish European, 0.0019%; no homozygotes.

Submissions (2):

CeGaT Center for Human Genetics Tuebingen
Classification: Uncertain significance. Last evaluated: 2023-01-01. Review status: criteria provided, single submitter. Criteria: CeGaT Center For Human Genetics Tuebingen Variant Classification Criteria Version 2. Collection method: clinical testing. Allele origin: germline. Affected: yes. Observed: 1 variant allele.
Comment: ADGRG1: PM2, BP4

Genetic Services Laboratory, University of Chicago
Classification: Uncertain significance. Last evaluated: 2014-10-07. Review status: criteria provided, single submitter. Criteria: ACMG Guidelines, 2015. Collection method: clinical testing. Allele origin: germline.

NM_201525.4(ADGRG1):c.768+4A>C

Gene: ADGRG1 (adhesion G protein-coupled receptor G1; plus strand). Cytogenetic location: 16q21.
Variant type: single nucleotide variant.
Coding change: c.768+4A>C on transcript NM_201525.4 (MANE Select); 4 bases into the intron after coding-DNA position 768, A replaced by C.
Molecular consequence: intron variant.
Genome position (GRCh38, 1-based): chr16:57,654,137, A>C. VCF-style: chr16-57654137-A-C. GRCh37 (hg19) VCF-style: chr16-57688049-A-C.
Other names: c.768+4A>C (NM_001370440.1, NM_001370428.1, NM_001370436.1 and 16 more transcripts); c.258+4A>C (NM_001290142.2); c.243+4A>C (NM_001370451.1, NM_001290143.2, NM_001370453.1 and 2 more transcripts); c.612+4A>C (NM_001370442.1); c.783+4A>C (NM_001370433.1, NM_001145773.3).
Identifiers: ClinVar variation 211095 (VCV000211095.34), dbSNP rs766802563, ClinGen allele CA206100.